The following is an entry in ClinVar:

ClinVar aggregate classification (germline): Uncertain significance. Review status: criteria provided, multiple submitters, no conflicts (2 of 4 stars). 2 submissions from 2 submitters: Uncertain significance (2). Last evaluated 2025-04-10.

Conditions:
Tuberous sclerosis 2 (TSC2). Identifiers: Orphanet 805, MedGen C1860707, MONDO:0013199, OMIM 613254.
Hereditary cancer-predisposing syndrome. Also called: Tumor predisposition; Neoplastic Syndromes, Hereditary; Hereditary Cancer Syndrome; Hereditary neoplastic syndrome. Identifiers: Orphanet 140162, MedGen C0027672, MeSH D009386, MONDO:0015356.

Submissions (2):

Labcorp Genetics (formerly Invitae), Labcorp
Classification: Uncertain significance for Tuberous sclerosis 2. Last evaluated: 2025-04-10. Review status: criteria provided, single submitter. Criteria: Invitae Variant Classification Sherloc (09022015). Collection method: clinical testing. Allele origin: germline.
Comment: This sequence change replaces isoleucine, which is neutral and non-polar, with leucine, which is neutral and non-polar, at codon 64 of the TSC2 protein (p.Ile64Leu). This variant is not present in population databases (gnomAD no frequency). This variant has not been reported in the literature in individuals affected with TSC2-related conditions. ClinVar contains an entry for this variant (Variation ID: 1782466). Invitae Evidence Modeling of protein sequence and biophysical properties (such as structural, functional, and spatial information, amino acid conservation, physicochemical variation, residue mobility, and thermodynamic stability) indicates that this missense variant is not expected to disrupt TSC2 protein function with a negative predictive value of 95%. In summary, the available evidence is currently insufficient to determine the role of this variant in disease. Therefore, it has been classified as a Variant of Uncertain Significance.

Ambry Genetics
Classification: Uncertain significance for Hereditary cancer-predisposing syndrome. Last evaluated: 2024-09-04. Review status: criteria provided, single submitter. Criteria: Ambry Variant Classification Scheme 2023. Collection method: clinical testing. Allele origin: germline.
Comment: The p.I64L variant (also known as c.190A>C), located in coding exon 2 of the TSC2 gene, results from an A to C substitution at nucleotide position 190. The isoleucine at codon 64 is replaced by leucine, an amino acid with highly similar properties. This amino acid position is not well conserved in available vertebrate species. In addition, this alteration is predicted to be tolerated by in silico analysis. Based on the available evidence, the clinical significance of this variant remains unclear.

NM_000548.5(TSC2):c.190A>C (p.Ile64Leu)

Gene: TSC2 (TSC complex subunit 2; plus strand). Cytogenetic location: 16p13.3.
Variant type: single nucleotide variant.
Coding change: c.190A>C on transcript NM_000548.5 (MANE Select); coding-DNA position 190, A replaced by C.
Protein change: p.Ile64Leu; replaces isoleucine 64 with leucine.
Molecular consequence: missense variant. On other transcripts: 5 prime UTR variant (1).
Genome position (GRCh38, 1-based): chr16:2,050,451, A>C. VCF-style: chr16-2050451-A-C. GRCh37 (hg19) VCF-style: chr16-2100452-A-C.
Other names: c.190A>C, p.Ile64Leu (NM_001077183.3, NM_001114382.3, NM_001318827.2 and 13 more transcripts); c.43A>C, p.Ile15Leu (NM_001318829.2, NM_001406675.1, NM_001406676.1 and 2 more transcripts); c.-37A>C (NM_001318831.2, NM_001406682.1, NM_001406684.1 and 3 more transcripts); c.223A>C, p.Ile75Leu (NM_001318832.2); c.-627A>C (NM_001406680.1, NM_001406683.1, NM_001406687.1); c.-256A>C (NM_001406681.1); c.-1242A>C (NM_001406689.1, NM_001406690.1, NM_001406691.1 and 2 more transcripts); c.-1548A>C (NM_001406693.1); and 3 more; short protein forms I15L, I64L, I75L.
Identifiers: ClinVar variation 1782466 (VCV001782466.6), dbSNP rs397515081, ClinGen allele CA394303447.